The following is an entry in ClinVar:

ClinVar aggregate classification (germline): Uncertain significance (1 of 4 stars; one submission).

Conditions:
Dilated cardiomyopathy 1G (CMD1G). Identifiers: Orphanet 154, MedGen C1858763, MONDO:0011400, OMIM 604145.
Autosomal recessive limb-girdle muscular dystrophy type 2J (LGMDR10). Also called: Limb-girdle muscular dystrophy, type 2J; MUSCULAR DYSTROPHY, LIMB-GIRDLE, AUTOSOMAL RECESSIVE 10. Identifiers: Orphanet 140922, MedGen C1837342, MONDO:0012127, OMIM 608807.

Allele frequency attached by ClinVar (database versions not stated): gnomAD 0.00001; TOPMed 0.00002.
gnomAD v4.1: 2 of 1,613,904 alleles (0.00012%); highest among the groups gnomAD compares: African/African-American, 0.0027%; no homozygotes.

Submission:

Labcorp Genetics (formerly Invitae), Labcorp
Classification: Uncertain significance for Dilated cardiomyopathy 1G; Autosomal recessive limb-girdle muscular dystrophy type 2J. Last evaluated: 2025-02-06. Review status: criteria provided, single submitter. Criteria: Invitae Variant Classification Sherloc (09022015). Collection method: clinical testing. Allele origin: germline.
Comment: This sequence change replaces threonine, which is neutral and polar, with serine, which is neutral and polar, at codon 35429 of the TTN protein (p.Thr35429Ser). This variant is not present in population databases (gnomAD no frequency). This variant has not been reported in the literature in individuals affected with TTN-related conditions. ClinVar contains an entry for this variant (Variation ID: 2941881). Experimental studies and prediction algorithms are not available or were not evaluated, and the functional significance of this variant is currently unknown. This variant is located in the M band of TTN (PMID: 25589632). Non-truncating variants in this region may be relevant for neuromuscular disorders, but have not been definitively shown to cause cardiomyopathy (PMID: 23975875). In summary, the available evidence is currently insufficient to determine the role of this variant in disease. Therefore, it has been classified as a Variant of Uncertain Significance.

Literature cited by the submitters: PubMed 25589632; PubMed 23975875.

NM_001267550.2(TTN):c.106285A>T (p.Thr35429Ser)

Genes: TTN-AS1 (TTN antisense RNA 1; plus strand), TTN (titin; minus strand). Cytogenetic location: 2q31.2.
Variant type: single nucleotide variant.
Coding change: c.106285A>T on transcript NM_001267550.2 (MANE Select); coding-DNA position 106285, A replaced by T.
Protein change: p.Thr35429Ser; replaces threonine 35429 with serine.
Molecular consequence: missense variant.
Genome position (GRCh38, 1-based): chr2:178,530,330, T>A on the plus strand (A>T on the coding strand, the complement: TTN is on the minus strand). VCF-style: chr2-178530330-T-A. GRCh37 (hg19) VCF-style: chr2-179395057-T-A.
Other names: c.101362A>T, p.Thr33788Ser (NM_001256850.1); c.79090A>T, p.Thr26364Ser (NM_003319.4); c.98581A>T, p.Thr32861Ser (NM_133378.4); c.79465A>T, p.Thr26489Ser (NM_133432.3); c.79666A>T, p.Thr26556Ser (NM_133437.4); short protein forms T26556S, T33788S, T26489S, T26364S, T32861S, T35429S.
Identifiers: ClinVar variation 2941881 (VCV002941881.3), dbSNP rs878963350, ClinGen allele CA60953294.
Genomic context (GRCh38, chr2:178,530,330, plus strand): 5'-GCCGGGGTTCTCCAGTAGCCTTAACTGCAAATTTAGCAACACTGTCTGAAGAAACAGTTG[T>A]ATCCTGCAACCCAGTAACAATTACTGGTTTTGAGGAAATTGGTTCAGGAGCTTTTGGTTC-3'
Protein context (NP_001254479.2, residues 35419-35439): KPVIVTGLQD[Thr35429Ser]TVSSDSVAKF